The following is an entry in ClinVar:

ClinVar aggregate classification (germline): Pathogenic (1 of 4 stars; one submission).

Conditions:
Ehlers-Danlos syndrome, classic type, 1 (EDSCL1). Also called: EHLERS-DANLOS SYNDROME, GRAVIS TYPE; EHLERS-DANLOS SYNDROME, SEVERE CLASSIC TYPE; Ehlers-Danlos syndrome, type 1; Ehlers-Danlos Syndrome, Classic Type, COL5A1-Related; EDS I. Identifiers: MedGen C0268335, MONDO:0019567, OMIM 130000.
Osteogenesis imperfecta type I (OI1). Also called: OI, TYPE I; OSTEOGENESIS IMPERFECTA TARDA; OSTEOGENESIS IMPERFECTA WITH BLUE SCLERAE; Osteogenesis imperfecta type 1; Lobstein's Disease; Lobstein disease. Identifiers: Orphanet 216796, Orphanet 666, MedGen C0023931, MONDO:0008146, OMIM 166200. Disease mechanism: loss of function.

Submission:

Labcorp Genetics (formerly Invitae), Labcorp
Classification: Pathogenic for Osteogenesis imperfecta type I; Ehlers-Danlos syndrome, classic type, 1. Last evaluated: 2025-12-15. Review status: criteria provided, single submitter. Criteria: Invitae Variant Classification Sherloc (09022015). Collection method: clinical testing. Allele origin: germline.
Comment: This sequence change replaces glycine, which is neutral and non-polar, with cysteine, which is neutral and slightly polar, at codon 919 of the COL1A2 protein (p.Gly919Cys). This variant is not present in population databases (gnomAD no frequency). This missense change has been observed in individual(s) with clinical features of autosomal dominant osteogenesis imperfecta (internal data). ClinVar contains an entry for this variant (Variation ID: 1456438). Invitae Evidence Modeling of protein sequence and biophysical properties (such as structural, functional, and spatial information, amino acid conservation, physicochemical variation, residue mobility, and thermodynamic stability) indicates that this missense variant is expected to disrupt COL1A2 protein function with a positive predictive value of 95%. This variant disrupts the triple helix domain of COL1A2. Glycine residues within the Gly-Xaa-Yaa repeats of the triple helix domain are required for the structure and stability of fibrillar collagens (PMID: 7695699, 8218237, 19344236). In COL1A2, variants affecting these glycine residues are significantly enriched in individuals with disease (PMID: 9016532, 17078022) compared to the general population (ExAC). This variant disrupts the p.Gly919 amino acid residue in COL1A2. Other variant(s) that disrupt this residue have been observed in individuals with COL1A2-related conditions (PMID: 24863959, 31414283), which suggests that this may be a clinically significant amino acid residue. For these reasons, this variant has been classified as Pathogenic.

Literature cited by the submitters: PubMed 7695699; PubMed 8218237; PubMed 19344236; PubMed 9016532; PubMed 17078022; PubMed 24863959; PubMed 31414283.

NM_000089.4(COL1A2):c.2755G>T (p.Gly919Cys)

Gene: COL1A2 (collagen type I alpha 2 chain; plus strand). Cytogenetic location: 7q21.3.
Variant type: single nucleotide variant.
Coding change: c.2755G>T on transcript NM_000089.4 (MANE Select); coding-DNA position 2755, G replaced by T.
Protein change: p.Gly919Cys; replaces glycine 919 with cysteine.
Molecular consequence: missense variant.
Genome position (GRCh38, 1-based): chr7:94,425,198, G>T. VCF-style: chr7-94425198-G-T. GRCh37 (hg19) VCF-style: chr7-94054510-G-T.
Other names: short protein forms G919C.
Identifiers: ClinVar variation 1456438 (VCV001456438.8), dbSNP rs749621872, ClinGen allele CA368224544.